The following is an entry in ClinVar:

NM_000261.2(MYOC):c.39T>G (p.Pro13=)

Gene: MYOC (myocilin; minus strand). Cytogenetic location: 1q24.3.
Variant type: single nucleotide variant.
Coding change: c.39T>G on transcript NM_000261.2 (MANE Select); coding-DNA position 39, T replaced by G.
Protein change: p.Pro13=; no amino-acid change (proline 13 retained).
Molecular consequence: synonymous variant.
Genome position (GRCh38, 1-based): chr1:171,652,573, A>C on the plus strand (T>G on the coding strand, the complement: MYOC is on the minus strand). VCF-style: chr1-171652573-A-C. GRCh37 (hg19) VCF-style: chr1-171621713-A-C.
Other names: NM_000261.2(MYOC):c.39T>G; p.Pro13=.
Identifiers: ClinVar variation 293724 (VCV000293724.20), dbSNP rs12082573, ClinGen allele CA1244342.

ClinVar aggregate classification (germline): Benign. Review status: reviewed by expert panel (3 of 4 stars). 6 submissions from 5 submitters: Benign (1). 5 of the submissions do not count toward it. Last evaluated 2025-10-08.

Conditions:
Open-angle glaucoma. Identifiers: MedGen C0017612, MONDO:0005338, HP:0012108.
Glaucoma. Identifiers: MedGen C0017601, MONDO:0005041, HP:0000501.
Glaucoma 1, open angle, A (GLC1A). Also called: Glaucoma, Dominant (Juvenile Onset). Identifiers: Orphanet 98977, MedGen C1842028, MONDO:0007664, OMIM 137750.

Allele frequency attached by ClinVar (database versions not stated): gnomAD 0.02136 and 0.02291; 1000 Genomes Project 0.02137; ESP Exome Variant Server 0.02299; 1000 Genomes Project 30x 0.02311; TOPMed 0.02408.
gnomAD v4.1: 6,534 of 1,614,184 alleles (0.4%); highest among the groups gnomAD compares: African/African-American, 7.3%; 231 homozygotes.

Submissions (6):

ClinGen Glaucoma Variant Curation Expert Panel
Classification: Benign for Open-angle glaucoma. Last evaluated: 2025-10-08. Review status: reviewed by expert panel. Criteria: ClinGen Glaucoma ACMG Specifications V2.0.0 Approved. Collection method: curation. Allele origin: germline. Inheritance: Autosomal dominant inheritance.
Comment: The c.39T>G variant in MYOC is a synonymous variant (p.Pro13=). The highest minor allele frequency of this variant was in the African/African-American genetic ancestry group of gnomAD (v4.1.0) = 0.07326, which met the ≥ 0.01 threshold set for BA1 (5,497 alleles out of 75032, meeting the threshold of ≥ 5 of at least 2,000 observed alleles). The SpliceAI score = 0, which met the ≤ 0.1 threshold for BP4, suggesting that the variant does not impact MYOC function. This synonymous variant meets BP4, so BP7 is met. There was no functional evidence predicting a damaging or benign impact of this variant on MYOC function. As BA1 was met, PP1 did not apply and segregations were not counted. Although probands with juvenile or primary open angle glaucoma have been reported carrying this variant, PM2_Supporting was not met, therefore PS4 did not apply. In summary, this variant was classified as benign (BA1 is a stand-alone criterion for a benign level of pathogenicity) for juvenile open angle glaucoma based on the ACMG/AMP criteria met, as specified by the ClinGen Glaucoma VCEP (v2.0.0, 5 Dec 2024): BA1, BP4, BP7

Labcorp Genetics (formerly Invitae), Labcorp
Classification: Benign. Last evaluated: 2026-01-11. Review status: criteria provided, single submitter. Criteria: Invitae Variant Classification Sherloc (09022015). Collection method: clinical testing. Allele origin: germline. Not counted in ClinVar's aggregate classification.

GeneDx
Classification: Benign. Last evaluated: 2018-09-24. Review status: criteria provided, single submitter. Criteria: GeneDx Variant Classification Process June 2021. Collection method: clinical testing. Allele origin: germline. Affected: yes. Not counted in ClinVar's aggregate classification.

Illumina Laboratory Services, Illumina
Classification: Benign for Glaucoma 1, open angle, A. Last evaluated: 2018-01-13. Review status: criteria provided, single submitter. Criteria: ICSL Variant Classification Criteria 13 December 2019. Collection method: clinical testing. Allele origin: germline. Not counted in ClinVar's aggregate classification.
Comment: This variant was observed in the ICSL laboratory as part of a predisposition screen in an ostensibly healthy population. It had not been previously curated by ICSL or reported in the Human Gene Mutation Database (HGMD: prior to June 1st, 2018), and was therefore a candidate for classification through an automated scoring system. Utilizing variant allele frequency, disease prevalence and penetrance estimates, and inheritance mode, an automated score was calculated to assess if this variant is too frequent to cause the disease. Based on the score and internal cut-off values, a variant classified as benign is not then subjected to further curation. The score for this variant resulted in a classification of benign for this disease.

Illumina Laboratory Services, Illumina
Classification: Benign for Glaucoma. Last evaluated: 2018-01-13. Review status: criteria provided, single submitter. Criteria: ICSL Variant Classification Criteria 13 December 2019. Collection method: clinical testing. Allele origin: germline. Not counted in ClinVar's aggregate classification.
Comment: the same text as in the submission from Illumina Laboratory Services, Illumina above.

Breakthrough Genomics
Classification: Benign. Review status: criteria provided, single submitter. Criteria: ACMG Guidelines, 2015. Collection method: not provided. Allele origin: germline. Inheritance: Autosomal dominant inheritance. Affected: yes. Not counted in ClinVar's aggregate classification.